The following is an entry in ClinVar:

ClinVar aggregate classification (germline): Uncertain significance (1 of 4 stars; one submission).

Conditions:
Haddad syndrome (OHD). Also called: Ondine-Hirschsprung disease. Identifiers: Orphanet 99803, MedGen C1859049, MONDO:0020493.

Submission:

Labcorp Genetics (formerly Invitae), Labcorp
Classification: Uncertain significance for Haddad syndrome. Last evaluated: 2018-11-14. Review status: criteria provided, single submitter. Criteria: Invitae Variant Classification Sherloc (09022015). Collection method: clinical testing. Allele origin: germline.
Comment: This variant is not present in population databases (ExAC no frequency). In summary, the available evidence is currently insufficient to determine the role of this variant in disease. Therefore, it has been classified as a Variant of Uncertain Significance. This variant has not been reported in the literature in individuals with PHOX2B-related disease. This sequence change replaces asparagine with threonine at codon 203 of the PHOX2B protein (p.Asn203Thr). The asparagine residue is highly conserved and there is a small physicochemical difference between asparagine and threonine.

NM_003924.4(PHOX2B):c.608A>C (p.Asn203Thr)

Gene: PHOX2B (paired like homeobox 2B; minus strand). Cytogenetic location: 4p13.
Variant type: single nucleotide variant.
Coding change: c.608A>C on transcript NM_003924.4 (MANE Select); coding-DNA position 608, A replaced by C.
Protein change: p.Asn203Thr; replaces asparagine 203 with threonine.
Molecular consequence: missense variant.
Genome position (GRCh38, 1-based): chr4:41,746,144, T>G on the plus strand (A>C on the coding strand, the complement: PHOX2B is on the minus strand). VCF-style: chr4-41746144-T-G. GRCh37 (hg19) VCF-style: chr4-41748161-T-G.
Other names: short protein forms N203T.
Identifiers: ClinVar variation 647789 (VCV000647789.10), dbSNP rs778887680, ClinGen allele CA356737755.